The following is an entry in ClinVar:

ClinVar aggregate classification (germline): Conflicting classifications of pathogenicity. Review status: criteria provided, conflicting classifications (1 of 4 stars). 2 submissions from 2 submitters: Uncertain significance (1); Likely benign (1). Last evaluated 2022-12-16.

Conditions:
Inborn genetic diseases. Identifiers: MedGen C0950123, MeSH D030342.
Deficiency of hydroxymethylglutaryl-CoA lyase (HMGCLD). Also called: Defect in leucine metabolism; 3-hydroxy-3-methylglutaric aciduria; HMGCL DEFICIENCY; HYDROXYMETHYLGLUTARIC ACIDURIA; HMG-CoA LYASE DEFICIENCY. Identifiers: Orphanet 20, MedGen C1533587, MONDO:0009520, OMIM 246450.

Allele frequency attached by ClinVar (database versions not stated): TOPMed 0.00016.

Submissions (2):

Labcorp Genetics (formerly Invitae), Labcorp
Classification: Likely benign for Deficiency of hydroxymethylglutaryl-CoA lyase. Last evaluated: 2022-12-16. Review status: criteria provided, single submitter. Criteria: Invitae Variant Classification Sherloc (09022015). Collection method: clinical testing. Allele origin: germline.

Ambry Genetics
Classification: Uncertain significance for Inborn genetic diseases. Last evaluated: 2022-11-09. Review status: criteria provided, single submitter. Criteria: Ambry Variant Classification Scheme 2023. Collection method: clinical testing. Allele origin: germline.
Comment: The c.145-5T>A intronic alteration consists of a T to A substitution 5 nucleotides before exon 3 of the HMGCL gene. Based on insufficient or conflicting evidence, the clinical significance of this alteration remains unclear.

NM_000191.3(HMGCL):c.145-5T>A

Gene: HMGCL (3-hydroxy-3-methylglutaryl-CoA lyase; minus strand). Cytogenetic location: 1p36.11.
Variant type: single nucleotide variant.
Coding change: c.145-5T>A on transcript NM_000191.3 (MANE Select); 5 bases into the intron before coding-DNA position 145, T replaced by A.
Molecular consequence: intron variant.
Genome position (GRCh38, 1-based): chr1:23,817,588, A>T on the plus strand (T>A on the coding strand, the complement: HMGCL is on the minus strand). VCF-style: chr1-23817588-A-T. GRCh37 (hg19) VCF-style: chr1-24144078-A-T.
Other names: c.145-5T>A (NM_001166059.2).
Identifiers: ClinVar variation 2314505 (VCV002314505.5), dbSNP rs1185120937, ClinGen allele CA733349709.
Genomic context (GRCh38, chr1:23,817,588, plus strand): 5'-CCTGCTTCAGAAAGCATGTCTATCAGCTTGATTTTCACTGGAGTAGATACGATATTCTAT[A>T]GTGGAGAGAGAAACACCAAGGCAGCAAAGTTAGTAACAAAACAGCCTCAAAATGCAGTAC-3'